The following is an entry in ClinVar:

NM_000455.5(STK11):c.265C>T (p.Pro89Ser)

Gene: STK11 (serine/threonine kinase 11; plus strand). Cytogenetic location: 19p13.3.
Variant type: single nucleotide variant.
Coding change: c.265C>T on transcript NM_000455.5 (MANE Select); coding-DNA position 265, C replaced by T.
Protein change: p.Pro89Ser; replaces proline 89 with serine.
Molecular consequence: missense variant.
Genome position (GRCh38, 1-based): chr19:1,207,178, C>T. VCF-style: chr19-1207178-C-T. GRCh37 (hg19) VCF-style: chr19-1207177-C-T.
Other names: short protein forms P89S.
Identifiers: ClinVar variation 821590 (VCV000821590.15), dbSNP rs1599915282, ClinGen allele CA402944564.

ClinVar aggregate classification (germline): Uncertain significance. Review status: criteria provided, multiple submitters, no conflicts (2 of 4 stars). 3 submissions from 3 submitters: Uncertain significance (3). Last evaluated 2026-02-03.

Conditions:
Hereditary cancer-predisposing syndrome. Also called: Hereditary Cancer Syndrome; Neoplastic Syndromes, Hereditary; Hereditary neoplastic syndrome; Tumor predisposition. Identifiers: Orphanet 140162, MedGen C0027672, MeSH D009386, MONDO:0015356.
Peutz-Jeghers syndrome (PJS). Also called: Peutz-Jeghers polyposis; Periorificial lentiginosis syndrome; POLYPOSIS, HAMARTOMATOUS INTESTINAL; POLYPS-AND-SPOTS SYNDROME. Identifiers: Orphanet 2869, MedGen C0031269, MeSH D010580, MONDO:0008280, OMIM 175200.

Submissions (3):

Labcorp Genetics (formerly Invitae), Labcorp
Classification: Uncertain significance for Peutz-Jeghers syndrome. Last evaluated: 2026-02-03. Review status: criteria provided, single submitter. Criteria: Invitae Variant Classification Sherloc (09022015). Collection method: clinical testing. Allele origin: germline.
Comment: This sequence change replaces proline, which is neutral and non-polar, with serine, which is neutral and polar, at codon 89 of the STK11 protein (p.Pro89Ser). This variant is not present in population databases (gnomAD no frequency). This variant has not been reported in the literature in individuals affected with STK11-related conditions. ClinVar contains an entry for this variant (Variation ID: 821590). Invitae Evidence Modeling of protein sequence and biophysical properties (such as structural, functional, and spatial information, amino acid conservation, physicochemical variation, residue mobility, and thermodynamic stability) has been performed for this missense variant. However, the output from this modeling did not meet the statistical confidence thresholds required to predict the impact of this variant on STK11 protein function. In summary, the available evidence is currently insufficient to determine the role of this variant in disease. Therefore, it has been classified as a Variant of Uncertain Significance.

Genome-Nilou Lab
Classification: Uncertain significance for Peutz-Jeghers syndrome. Last evaluated: 2021-07-15. Review status: criteria provided, single submitter. Criteria: ACMG Guidelines, 2015. Collection method: clinical testing. Allele origin: germline. Affected: no.

Ambry Genetics
Classification: Uncertain significance for Hereditary cancer-predisposing syndrome. Last evaluated: 2019-03-20. Review status: criteria provided, single submitter. Criteria: Ambry Variant Classification Scheme 2023. Collection method: clinical testing. Allele origin: germline.
Comment: The p.P89S variant (also known as c.265C>T), located in coding exon 1 of the STK11 gene, results from a C to T substitution at nucleotide position 265. The proline at codon 89 is replaced by serine, an amino acid with similar properties. This amino acid position is highly conserved in available vertebrate species. In addition, the in silico prediction for this alteration is inconclusive. Since supporting evidence is limited at this time, the clinical significance of this alteration remains unclear.